The following is an entry in ClinVar:

ClinVar aggregate classification (germline): Pathogenic/Likely pathogenic. Review status: criteria provided, multiple submitters, no conflicts (2 of 4 stars). 2 submissions from 2 submitters: Pathogenic (1); Likely pathogenic (1). Last evaluated 2024-06-01.

Conditions:
Congenital adrenal hyperplasia due to cytochrome P450 oxidoreductase deficiency. Also called: DISORDERED STEROIDOGENESIS DUE TO POR DEFICIENCY. Identifiers: Orphanet 95699, MedGen C1860042, MONDO:0013310, OMIM 613571.
Antley-Bixler syndrome with genital anomalies and disordered steroidogenesis (ABS1). Also called: POR Deficiency. Identifiers: Orphanet 63269, MedGen C3150099, MONDO:0008726, OMIM 201750.

Submissions (2):

Fulgent Genetics
Classification: Likely pathogenic for Antley-Bixler syndrome with genital anomalies and disordered steroidogenesis; Congenital adrenal hyperplasia due to cytochrome P450 oxidoreductase deficiency. Last evaluated: 2024-06-01. Review status: criteria provided, single submitter. Criteria: ACMG Guidelines, 2015. Collection method: clinical testing. Allele origin: germline.

Labcorp Genetics (formerly Invitae), Labcorp
Classification: Pathogenic for Congenital adrenal hyperplasia due to cytochrome P450 oxidoreductase deficiency. Last evaluated: 2023-06-08. Review status: criteria provided, single submitter. Criteria: Invitae Variant Classification Sherloc (09022015). Collection method: clinical testing. Allele origin: germline.
Comment: For these reasons, this variant has been classified as Pathogenic. This variant has not been reported in the literature in individuals affected with POR-related conditions. This variant is not present in population databases (gnomAD no frequency). This sequence change creates a premature translational stop signal (p.Thr42Profs*22) in the POR gene. It is expected to result in an absent or disrupted protein product. Loss-of-function variants in POR are known to be pathogenic (PMID: 14758361, 20732302, 21741353).

Literature cited by the submitters: PubMed 14758361 (cited by Labcorp Genetics (formerly Invitae), Labcorp); PubMed 20732302 (cited by Labcorp Genetics (formerly Invitae), Labcorp); PubMed 21741353 (cited by Labcorp Genetics (formerly Invitae), Labcorp).

NM_001395413.1(POR):c.115del (p.Thr39fs)

Gene: POR (cytochrome p450 oxidoreductase; plus strand). Cytogenetic location: 7q11.23.
Variant type: Deletion.
Coding change: c.115del on transcript NM_001395413.1 (MANE Select); coding-DNA position 115, one base deleted (A; older notation c.115delA).
Protein change: p.Thr39fs; shifts the reading frame from threonine 39.
Molecular consequence: frameshift variant.
Genome position (GRCh38, 1-based): chr7:75,954,116, A deleted; the last of 2 consecutive A bases (chr7:75,954,115-75,954,116); deleting either gives the same sequence. VCF-style (leftmost placement, unchanged base first): chr7-75954114-TA-T. GRCh37 (hg19) VCF-style: chr7-75583432-TA-T.
Other names: c.124delA, p.Thr42Profs (NM_000941.2, NM_000941.3); c.115del, p.Thr39fs (NM_001367562.3, NM_001382655.3, NM_001382657.2 and 3 more transcripts); short protein forms T39fs.
Identifiers: ClinVar variation 2851692 (VCV002851692.4), dbSNP rs2535263403, ClinGen allele CA2683377150.
Genomic context (GRCh38, chr7:75,954,114, plus strand): 5'-AAGAAGTATCTCTTTTCAGCATGACGGACATGATTCTGTTTTCGCTCATCGTGGGTCTCC[TA>T]ACCTACTGGTTCCTCTTCAGAAAGAAAAAAGAAGAAGTCCCCGAGTTCACCAAAATTCAG-3'